The following is an entry in ClinVar:

ClinVar aggregate classification (germline): Uncertain significance (1 of 4 stars; one submission).

Conditions:
Hereditary sensory and autonomic neuropathy type 6. Also called: Neuropathy, hereditary sensory and autonomic, type VI; HSAN VI. Identifiers: Orphanet 314381, MedGen C3539003, MONDO:0013839, OMIM 614653.
Epidermolysis bullosa simplex 3, localized or generalized intermediate, with BP230 deficiency (EBS3). Also called: Epidermolysis bullosa simplex due to BP230 deficiency; Epidermolysis bullosa simplex, autosomal recessive 2. Identifiers: Orphanet 412181, MedGen C3809470, MONDO:0014180, OMIM 615425.

Allele frequency attached by ClinVar (database versions not stated): ExAC 0.00002; gnomAD 0.00002 and 0.00003; TOPMed 0.00002; gnomAD exomes 0.00003.
gnomAD v4.1: 18 of 1,614,102 alleles (0.0011%); highest among the groups gnomAD compares: Admixed American, 0.0067%; no homozygotes.

Submission:

Labcorp Genetics (formerly Invitae), Labcorp
Classification: Uncertain significance for Epidermolysis bullosa simplex 3, localized or generalized intermediate, with BP230 deficiency; Hereditary sensory and autonomic neuropathy type 6. Last evaluated: 2022-09-13. Review status: criteria provided, single submitter. Criteria: Invitae Variant Classification Sherloc (09022015). Collection method: clinical testing. Allele origin: germline.
Comment: This sequence change creates a premature translational stop signal (p.Arg2308*) in the DST gene. While this is not anticipated to result in nonsense mediated decay, it is expected to disrupt the last 342 amino acid(s) of the DST protein. This variant is present in population databases (rs770480438, gnomAD 0.01%). This variant has not been reported in the literature in individuals affected with DST-related conditions. ClinVar contains an entry for this variant (Variation ID: 570509). Experimental studies and prediction algorithms are not available or were not evaluated, and the functional significance of this variant is currently unknown. In summary, the available evidence is currently insufficient to determine the role of this variant in disease. Therefore, it has been classified as a Variant of Uncertain Significance.

NM_001723.7(DST):c.6922C>T (p.Arg2308Ter)

Gene: DST (dystonin; minus strand). Cytogenetic location: 6p12.1.
Variant type: single nucleotide variant.
Coding change: c.6922C>T on transcript NM_001723.7 (MANE Plus Clinical); coding-DNA position 6922, C replaced by T.
Protein change: p.Arg2308Ter; replaces arginine 2308 with a stop codon.
Molecular consequence: nonsense. On other transcripts: intron variant (10).
Genome position (GRCh38, 1-based): chr6:56,616,545, G>A on the plus strand (C>T on the coding strand, the complement: DST is on the minus strand). VCF-style: chr6-56616545-G-A. GRCh37 (hg19) VCF-style: chr6-56481343-G-A.
Other names: c.4831-2061C>T (NM_001144769.5); c.4930-2061C>T (NM_001374722.1, NM_001374736.1); c.4957-2061C>T (NM_001374734.1); c.4417-2061C>T (NM_001144770.2); c.4297-2061C>T (NM_001374730.1, NM_001386100.1, NM_183380.4 and 1 more transcripts); c.3319-2061C>T (NM_015548.5); short protein forms R2308*.
Identifiers: ClinVar variation 570509 (VCV000570509.6), dbSNP rs770480438, ClinGen allele CA3870065.
Genomic context (GRCh38, chr6:56,616,545, plus strand): 5'-TGTTCCTCTCCCCAAATGGAAACAGAAAGCATTGGGACTCTACATCAAATACACACATTC[G>A]CAGTAATTCTGAGTAATACAGAGCTTGCTTGTTATTGGGATTAGGGAAAACTCTTGTGTT-3'